The following is an entry in ClinVar:

NM_007357.3(COG2):c.1067G>A (p.Arg356Gln)

Gene: COG2 (component of oligomeric golgi complex 2; plus strand). Cytogenetic location: 1q42.2.
Variant type: single nucleotide variant.
Coding change: c.1067G>A on transcript NM_007357.3 (MANE Select); coding-DNA position 1067, G replaced by A.
Protein change: p.Arg356Gln; replaces arginine 356 with glutamine.
Molecular consequence: missense variant.
Genome position (GRCh38, 1-based): chr1:230,678,953, G>A. VCF-style: chr1-230678953-G-A. GRCh37 (hg19) VCF-style: chr1-230814699-G-A.
Other names: c.1067G>A, p.Arg356Gln (NM_001145036.2); c.1067G>A (NM_007357.2); short protein forms R356Q.
Identifiers: ClinVar variation 1350078 (VCV001350078.8), dbSNP rs1451969018, ClinGen allele CA345205247.

ClinVar aggregate classification (germline): Uncertain significance. Review status: criteria provided, multiple submitters, no conflicts (2 of 4 stars). 2 submissions from 2 submitters: Uncertain significance (2). Last evaluated 2025-08-24.

Conditions:
Congenital disorder of glycosylation, type IIq. Also called: CDG IIq. Identifiers: Orphanet 435934, MedGen C4479353, MONDO:0054559, OMIM 617395.

Allele frequency attached by ClinVar (database versions not stated): gnomAD exomes below 0.00001 and 0.00001; TOPMed below 0.00001; gnomAD 0.00001.
gnomAD v4.1: 13 of 1,613,218 alleles (0.00081%); highest among the groups gnomAD compares: East Asian, 0.0022%; no homozygotes.

Submissions (2):

Ambry Genetics
Classification: Uncertain significance. Last evaluated: 2025-08-24. Review status: criteria provided, single submitter. Criteria: Ambry Variant Classification Scheme 2023. Collection method: clinical testing. Allele origin: germline.

Labcorp Genetics (formerly Invitae), Labcorp
Classification: Uncertain significance for Congenital disorder of glycosylation, type IIq. Last evaluated: 2020-11-20. Review status: criteria provided, single submitter. Criteria: Invitae Variant Classification Sherloc (09022015). Collection method: clinical testing. Allele origin: germline.
Comment: In summary, the available evidence is currently insufficient to determine the role of this variant in disease. Therefore, it has been classified as a Variant of Uncertain Significance. Algorithms developed to predict the effect of missense changes on protein structure and function output the following: SIFT: "Tolerated"; PolyPhen-2: "Benign"; Align-GVGD: "Class C0". The glutamine amino acid residue is found in multiple mammalian species, suggesting that this missense change does not adversely affect protein function. These predictions have not been confirmed by published functional studies and their clinical significance is uncertain. This variant has not been reported in the literature in individuals with COG2-related conditions. This variant is not present in population databases (ExAC no frequency). This sequence change replaces arginine with glutamine at codon 356 of the COG2 protein (p.Arg356Gln). The arginine residue is moderately conserved and there is a small physicochemical difference between arginine and glutamine.